The following is an entry in ClinVar:

NM_000455.5(STK11):c.289_290+1del

Gene: STK11 (serine/threonine kinase 11; plus strand). Cytogenetic location: 19p13.3.
Variant type: Microsatellite.
Coding change: c.289_290+1del on transcript NM_000455.5 (MANE Select); coding-DNA position 289 through the canonical splice donor site of the intron after coding-DNA position 290, 3 bases deleted (AAG; older notation c.289_290+1delAAG).
Molecular consequence: splice donor variant.
Genome position (GRCh38, 1-based): chr19:1,207,202-1,207,204, AAG deleted; deleting any 3 consecutive bases within chr19:1,207,198-1,207,204 gives the same sequence; the c. name uses the placement nearest the transcript's 3' end. VCF-style (leftmost placement, unchanged base first): chr19-1207197-TGAA-T. GRCh37 (hg19) VCF-style: chr19-1207196-TGAA-T.
Identifiers: ClinVar variation 1797294 (VCV001797294.2), dbSNP rs2512921909, ClinGen allele CA2580613011.

ClinVar aggregate classification (germline): Uncertain significance (1 of 4 stars; one submission).

Conditions:
Hereditary cancer-predisposing syndrome. Also called: Tumor predisposition; Hereditary Cancer Syndrome; Neoplastic Syndromes, Hereditary; Hereditary neoplastic syndrome. Identifiers: Orphanet 140162, MedGen C0027672, MeSH D009386, MONDO:0015356.

Submission:

Ambry Genetics
Classification: Uncertain significance for Hereditary cancer-predisposing syndrome. Last evaluated: 2021-11-01. Review status: criteria provided, single submitter. Criteria: Ambry Variant Classification Scheme 2023. Collection method: clinical testing. Allele origin: germline.
Comment: The c.289_290+1delAAG variant results from a deletion of AAG nucleotides between positions 289 and 290+1 and involves the canonical splice donor site after coding exon 1 of the STK11 gene. In silico splice site analysis predicts that this alteration will weaken the native splice donor site and will result in the creation or strengthening of a novel splice donor site; however, the exact impact of this deletion on STK11 splicing and function is currently unknown. The canonical splice donor site is highly conserved in available vertebrate species. Since supporting evidence is limited at this time, the clinical significance of this alteration remains unclear.